The following is an entry in ClinVar:

ClinVar aggregate classification (germline): Uncertain significance (1 of 4 stars; one submission).

Conditions:
Hypertrophic cardiomyopathy. Also called: HYPERTROPHIC MYOCARDIOPATHY. Identifiers: Orphanet 217569, MedGen C0007194, MeSH D002312, MONDO:0005045, HP:0001639.

Submission:

All of Us Research Program, National Institutes of Health
Classification: Uncertain significance for Hypertrophic cardiomyopathy. Last evaluated: 2023-04-03. Review status: criteria provided, single submitter. Criteria: ACMG Guidelines, 2015. Collection method: clinical testing. Allele origin: germline. Inheritance: Autosomal dominant inheritance. Observed: 1 variant allele, 1 heterozygote.
Comment: This synonymous variant causes a nucleotide substitution but does not change the encoded amino acid at codon 751 of the MYBPC3 protein. Splice site prediction tools are inconclusive regarding the impact of this variant on RNA splicing. To our knowledge, functional studies have not been reported for this variant. This variant has not been reported in individuals affected with MYBPC3-related disorders in the literature. This variant has not been identified in the general population by the Genome Aggregation Database (gnomAD). The available evidence is insufficient to determine the role of this variant in disease conclusively. Therefore, this variant is classified as a Variant of Uncertain Significance.

This study involves interpretation of variants in research participants for the purpose of population health screening. Participant phenotype was not available at the time of variant classification. Additional details can be found in publication PMID: 35346344, PMCID: PMC8962531

NM_000256.3(MYBPC3):c.2253C>A (p.Val751=)

Gene: MYBPC3 (myosin binding protein C3; minus strand). Cytogenetic location: 11p11.2.
Variant type: single nucleotide variant.
Coding change: c.2253C>A on transcript NM_000256.3 (MANE Select); coding-DNA position 2253, C replaced by A.
Protein change: p.Val751=; no amino-acid change (valine 751 retained).
Molecular consequence: synonymous variant.
Genome position (GRCh38, 1-based): chr11:47,338,575, G>T on the plus strand (C>A on the coding strand, the complement: MYBPC3 is on the minus strand). VCF-style: chr11-47338575-G-T. GRCh37 (hg19) VCF-style: chr11-47360126-G-T.
Identifiers: ClinVar variation 3070226 (VCV003070226.1), dbSNP rs2495752304, ClinGen allele CA474216995.
Genomic context (GRCh38, chr11:47,338,575, plus strand): 5'-CTCACCGATGACCTTGACTGTGAGGTTGACCTGGTCCTCGCCCACAGGGTTCTTCACTGT[G>T]ACCGTGTAGACGCCCTCATCTTCCTTCTCTGCCCCCTCGACCGTGAAGATGCTGCGGTCC-3'
Protein context (NP_000247.2, residues 741-761): AEKEDEGVYT[Val751=]TVKNPVGEDQ